The following is an entry in ClinVar:

ClinVar aggregate classification (germline): Uncertain significance. Review status: criteria provided, multiple submitters, no conflicts (2 of 4 stars). 2 submissions from 2 submitters: Uncertain significance (2). Last evaluated 2026-08-29.

Conditions:
Hereditary cancer-predisposing syndrome. Also called: Hereditary Cancer Syndrome; Tumor predisposition; Hereditary neoplastic syndrome; Neoplastic Syndromes, Hereditary. Identifiers: Orphanet 140162, MedGen C0027672, MeSH D009386, MONDO:0015356.
Gastrointestinal stromal tumor. Also called: Gastrointestinal stroma tumor; Gastrointestinal stromal tumor, somatic. Identifiers: Orphanet 44890, MedGen C0238198, MeSH D046152, MONDO:0011719, OMIM 606764, HP:0100723.

Submissions (2):

Ambry Genetics
Classification: Uncertain significance for Hereditary cancer-predisposing syndrome. Last evaluated: 2026-08-29. Review status: criteria provided, single submitter. Criteria: Ambry Variant Classification Scheme 2023. Collection method: clinical testing. Allele origin: germline.
Comment: The p.I1070M variant (also known as c.3210C>G), located in coding exon 22 of the PDGFRA gene, results from a C to G substitution at nucleotide position 3210. The isoleucine at codon 1070 is replaced by methionine, an amino acid with highly similar properties. This amino acid position is conserved. In addition, this alteration is predicted to be tolerated by in silico analysis. Based on the available evidence, the clinical significance of this variant remains unclear.

Labcorp Genetics (formerly Invitae), Labcorp
Classification: Uncertain significance for Gastrointestinal stromal tumor. Last evaluated: 2025-07-02. Review status: criteria provided, single submitter. Criteria: Invitae Variant Classification Sherloc (09022015). Collection method: clinical testing. Allele origin: germline.
Comment: This sequence change replaces isoleucine, which is neutral and non-polar, with methionine, which is neutral and non-polar, at codon 1070 of the PDGFRA protein (p.Ile1070Met). This variant is not present in population databases (gnomAD no frequency). This variant has not been reported in the literature in individuals affected with PDGFRA-related conditions. ClinVar contains an entry for this variant (Variation ID: 528545). An algorithm developed to predict the effect of missense changes on protein structure and function outputs the following: PolyPhen-2: "Benign". The methionine amino acid residue is found in multiple mammalian species, which suggests that this missense change does not adversely affect protein function. In summary, the available evidence is currently insufficient to determine the role of this variant in disease. Therefore, it has been classified as a Variant of Uncertain Significance.

NM_006206.6(PDGFRA):c.3210C>G (p.Ile1070Met)

Gene: PDGFRA (platelet derived growth factor receptor alpha; plus strand). Cytogenetic location: 4q12.
Variant type: single nucleotide variant.
Coding change: c.3210C>G on transcript NM_006206.6 (MANE Select); coding-DNA position 3210, C replaced by G.
Protein change: p.Ile1070Met; replaces isoleucine 1070 with methionine.
Molecular consequence: missense variant.
Genome position (GRCh38, 1-based): chr4:54,295,212, C>G. VCF-style: chr4-54295212-C-G. GRCh37 (hg19) VCF-style: chr4-55161379-C-G.
Other names: c.3285C>G, p.Ile1095Met (NM_001347828.2); c.3210C>G, p.Ile1070Met (NM_001347829.2); c.3249C>G, p.Ile1083Met (NM_001347830.2); short protein forms I1070M, I1083M, I1095M.
Identifiers: ClinVar variation 528545 (VCV000528545.10), dbSNP rs149498489, ClinGen allele CA356896633.